The following is an entry in ClinVar:

ClinVar aggregate classification (germline): Conflicting classifications of pathogenicity. Review status: criteria provided, conflicting classifications (1 of 4 stars). 2 submissions from 2 submitters: Uncertain significance (1); Likely benign (1). Last evaluated 2022-08-19.

Conditions:
Inborn genetic diseases. Identifiers: MedGen C0950123, MeSH D030342.

Allele frequency attached by ClinVar (database versions not stated): gnomAD 0.00001; ExAC 0.00002; gnomAD exomes 0.00002; TOPMed 0.00003.
gnomAD v4.1: 34 of 1,613,118 alleles (0.0021%); highest among the groups gnomAD compares: Middle Eastern, 0.016%; no homozygotes.

Submissions (2):

Labcorp Genetics (formerly Invitae), Labcorp
Classification: Uncertain significance. Last evaluated: 2022-08-19. Review status: criteria provided, single submitter. Criteria: Invitae Variant Classification Sherloc (09022015). Collection method: clinical testing. Allele origin: germline.
Comment: Algorithms developed to predict the effect of missense changes on protein structure and function output the following: SIFT: "Not Available"; PolyPhen-2: "Benign"; Align-GVGD: "Not Available". The methionine amino acid residue is found in multiple mammalian species, which suggests that this missense change does not adversely affect protein function. In summary, the available evidence is currently insufficient to determine the role of this variant in disease. Therefore, it has been classified as a Variant of Uncertain Significance. This sequence change replaces threonine, which is neutral and polar, with methionine, which is neutral and non-polar, at codon 311 of the POC1A protein (p.Thr311Met). This variant has not been reported in the literature in individuals affected with POC1A-related conditions. This variant is present in population databases (rs762363654, gnomAD 0.004%).

Ambry Genetics
Classification: Likely benign for Inborn genetic diseases. Last evaluated: 2022-01-18. Review status: criteria provided, single submitter. Criteria: Ambry Variant Classification Scheme 2023. Collection method: clinical testing. Allele origin: germline.

NM_015426.5(POC1A):c.932C>T (p.Thr311Met)

Gene: POC1A (POC1 centriolar protein A; minus strand). Cytogenetic location: 3p21.2.
Variant type: single nucleotide variant.
Coding change: c.932C>T on transcript NM_015426.5 (MANE Select); coding-DNA position 932, C replaced by T.
Protein change: p.Thr311Met; replaces threonine 311 with methionine.
Molecular consequence: missense variant.
Genome position (GRCh38, 1-based): chr3:52,122,428, G>A on the plus strand (C>T on the coding strand, the complement: POC1A is on the minus strand). VCF-style: chr3-52122428-G-A. GRCh37 (hg19) VCF-style: chr3-52156444-G-A.
Other names: c.932C>T, p.Thr311Met (NM_001161580.2); c.818C>T, p.Thr273Met (NM_001161581.2); short protein forms T273M, T311M.
Identifiers: ClinVar variation 1915525 (VCV001915525.6), dbSNP rs762363654, ClinGen allele CA2429452.